The following is an entry in ClinVar:

ClinVar aggregate classification (germline): Conflicting classifications of pathogenicity. Review status: criteria provided, conflicting classifications (1 of 4 stars). 2 submissions from 2 submitters: Uncertain significance (1); Likely benign (1). Last evaluated 2024-10-21.

Conditions:
Inborn genetic diseases. Identifiers: MedGen C0950123, MeSH D030342.

Allele frequency attached by ClinVar (database versions not stated): gnomAD 0.00001; gnomAD exomes 0.00001; TOPMed 0.00001.

Submissions (2):

Ambry Genetics
Classification: Likely benign for Inborn genetic diseases. Last evaluated: 2024-10-21. Review status: criteria provided, single submitter. Criteria: Ambry Variant Classification Scheme 2023. Collection method: clinical testing. Allele origin: germline.

Labcorp Genetics (formerly Invitae), Labcorp
Classification: Uncertain significance. Last evaluated: 2022-06-28. Review status: criteria provided, single submitter. Criteria: Invitae Variant Classification Sherloc (09022015). Collection method: clinical testing. Allele origin: germline.
Comment: This sequence change affects codon 1156 of the MCM3AP mRNA. It is a 'silent' change, meaning that it does not change the encoded amino acid sequence of the MCM3AP protein. It affects a nucleotide within the consensus splice site. This variant is present in population databases (no rsID available, gnomAD 0.0009%). This variant has not been reported in the literature in individuals affected with MCM3AP-related conditions. Algorithms developed to predict the effect of sequence changes on RNA splicing suggest that this variant is not likely to affect RNA splicing. In summary, the available evidence is currently insufficient to determine the role of this variant in disease. Therefore, it has been classified as a Variant of Uncertain Significance.

NM_003906.5(MCM3AP):c.3468G>A (p.Arg1156=)

Gene: MCM3AP (minichromosome maintenance complex component 3 associated protein; minus strand). Cytogenetic location: 21q22.3.
Variant type: single nucleotide variant.
Coding change: c.3468G>A on transcript NM_003906.5 (MANE Select); coding-DNA position 3468, G replaced by A.
Protein change: p.Arg1156=; no amino-acid change (arginine 1156 retained).
Molecular consequence: synonymous variant.
Genome position (GRCh38, 1-based): chr21:46,260,906, C>T on the plus strand (G>A on the coding strand, the complement: MCM3AP is on the minus strand). VCF-style: chr21-46260906-C-T. GRCh37 (hg19) VCF-style: chr21-47680820-C-T.
Other names: c.3468G>A (NM_003906.3).
Identifiers: ClinVar variation 1897369 (VCV001897369.3), dbSNP rs1157808305, ClinGen allele CA512756843.